The following is an entry in ClinVar:

NM_001277115.2(DNAH11):c.7785C>T (p.Ile2595=)

Gene: DNAH11 (dynein axonemal heavy chain 11; plus strand). Cytogenetic location: 7p15.3.
Variant type: single nucleotide variant.
Coding change: c.7785C>T on transcript NM_001277115.2 (MANE Select); coding-DNA position 7785, C replaced by T.
Protein change: p.Ile2595=; no amino-acid change (isoleucine 2595 retained).
Molecular consequence: synonymous variant.
Genome position (GRCh38, 1-based): chr7:21,738,840, C>T. VCF-style: chr7-21738840-C-T. GRCh37 (hg19) VCF-style: chr7-21778458-C-T.
Other names: c.7806C>T, p.Ile2602= (NM_003777.3).
Identifiers: ClinVar variation 2657346 (VCV002657346.24), dbSNP rs376895904, ClinGen allele CA453967665.
Genomic context (GRCh38, chr7:21,738,840, plus strand): 5'-CGACGACATGAACATGCCTGAAGTGGACTTATATGGCACCGTTCAGCCTCACACCCTGAT[C>T]CGGCAGCATATTGATTATGGACATTGGTAAGCAAGTCTCTGTAGTTTACTCTCTCCCAAA-3'
Protein context (NP_001264044.1, residues 2585-2605): LYGTVQPHTL[Ile2595=]RQHIDYGHWY

ClinVar aggregate classification (germline): Likely benign (1 of 4 stars; one submission).

Allele frequency attached by ClinVar (database versions not stated): gnomAD 0.00001.
gnomAD v4.1: 4 of 1,603,144 alleles (0.00025%); highest among the groups gnomAD compares: Non-Finnish European, 0.00034%; no homozygotes.

Submission:

CeGaT Center for Human Genetics Tuebingen
Classification: Likely benign. Last evaluated: 2022-06-01. Review status: criteria provided, single submitter. Criteria: CeGaT Center For Human Genetics Tuebingen Variant Classification Criteria Version 2. Collection method: clinical testing. Allele origin: germline. Affected: yes. Observed: 1 variant allele.
Comment: DNAH11: BP4, BP7